The following is an entry in ClinVar:

ClinVar aggregate classification (germline): Uncertain significance (1 of 4 stars; one submission).

Conditions:
Early-infantile DEE. Also called: Early infantile epileptic encephalopathy with suppression bursts; Early infantile epileptic encephalopathy; Ohtahara syndrome. Identifiers: Orphanet 1934, MedGen C0393706, MONDO:0800491.

Submission:

Labcorp Genetics (formerly Invitae), Labcorp
Classification: Uncertain significance for Early-infantile DEE. Last evaluated: 2024-01-25. Review status: criteria provided, single submitter. Criteria: Invitae Variant Classification Sherloc (09022015). Collection method: clinical testing. Allele origin: germline.
Comment: This sequence change replaces methionine, which is neutral and non-polar, with lysine, which is basic and polar, at codon 135 of the SCN1A protein (p.Met135Lys). This variant is not present in population databases (gnomAD no frequency). This variant has not been reported in the literature in individuals affected with SCN1A-related conditions. Advanced modeling of protein sequence and biophysical properties (such as structural, functional, and spatial information, amino acid conservation, physicochemical variation, residue mobility, and thermodynamic stability) performed at Invitae indicates that this missense variant is expected to disrupt SCN1A protein function with a positive predictive value of 95%. In summary, the available evidence is currently insufficient to determine the role of this variant in disease. Therefore, it has been classified as a Variant of Uncertain Significance.

NM_001165963.4(SCN1A):c.404T>A (p.Met135Lys)

Gene: SCN1A (sodium voltage-gated channel alpha subunit 1; minus strand). Cytogenetic location: 2q24.3.
Variant type: single nucleotide variant.
Coding change: c.404T>A on transcript NM_001165963.4 (MANE Select); coding-DNA position 404, T replaced by A.
Protein change: p.Met135Lys; replaces methionine 135 with lysine.
Molecular consequence: missense variant. On other transcripts: 5 prime UTR variant (1), non-coding transcript variant (1).
Genome position (GRCh38, 1-based): chr2:166,056,480, A>T on the plus strand (T>A on the coding strand, the complement: SCN1A is on the minus strand). VCF-style: chr2-166056480-A-T. GRCh37 (hg19) VCF-style: chr2-166912990-A-T.
Other names: c.-2022T>A (NM_001353961.2); c.404T>A, p.Met135Lys (NM_006920.6, NM_001165964.3, NM_001202435.3 and 10 more transcripts); short protein forms M135K.
Identifiers: ClinVar variation 2709812 (VCV002709812.3), dbSNP rs1574290850, ClinGen allele CA349076102.
Genomic context (GRCh38, chr2:166,056,480, plus strand): 5'-TTTGTCCAATCAGGAGGGTTACTCATTGTCATAAACACACAGTTTGTCAAAATAGTGCAC[A>T]TAATTAGCATGCTGAATAATGTAGGTTATTGTTAAGGAACACACAAAAGAAAATCAAAAT-3'
Protein context (NP_001159435.1, residues 125-145): LVHSLFSMLI[Met135Lys]CTILTNCVFM